The following is an entry in ClinVar:

NM_021975.4(RELA):c.1029G>C (p.Lys343Asn)

Gene: RELA (RELA proto-oncogene, NF-kB subunit; minus strand). Cytogenetic location: 11q13.1.
Variant type: single nucleotide variant.
Coding change: c.1029G>C on transcript NM_021975.4 (MANE Select); coding-DNA position 1029, G replaced by C.
Protein change: p.Lys343Asn; replaces lysine 343 with asparagine.
Molecular consequence: missense variant.
Genome position (GRCh38, 1-based): chr11:65,655,692, C>G on the plus strand (G>C on the coding strand, the complement: RELA is on the minus strand). VCF-style: chr11-65655692-C-G. GRCh37 (hg19) VCF-style: chr11-65423163-C-G.
Other names: c.1020G>C, p.Lys340Asn (NM_001145138.2); c.1029G>C, p.Lys343Asn (NM_001243984.2, NM_001243985.2); c.1062G>C, p.Lys354Asn (NM_001404657.1); c.1002G>C, p.Lys334Asn (NM_001404658.1); c.816G>C, p.Lys272Asn (NM_001404659.1); c.711G>C, p.Lys237Asn (NM_001404660.1); c.648G>C, p.Lys216Asn (NM_001404661.1); c.936G>C, p.Lys312Asn (NM_001404662.1, NM_001404663.1); short protein forms K334N, K237N, K312N, K343N, K354N, K340N, K216N, K272N.
Identifiers: ClinVar variation 2803393 (VCV002803393.3), dbSNP rs371744052, ClinGen allele CA6106701.
Genomic context (GRCh38, chr11:65,655,692, plus strand): 5'-CCTCAGCTGAACAGAGCTGAACCTGTCGTTCCAGTGGGACAAAAGGAAATCCTTACCTGG[C>G]TTGGGGACAGAAGCTGAGCTGCGGGAAGGCACAGCAATGCGTCGAGGTGGAGGCCGGGGG-3'
Protein context (NP_068810.3, residues 333-353): VPSRSSASVP[Lys343Asn]PAPQPYPFTS

ClinVar aggregate classification (germline): Uncertain significance (1 of 4 stars; one submission).

Allele frequency attached by ClinVar (database versions not stated): TOPMed below 0.00001; gnomAD 0.00001.
gnomAD v4.1: 13 of 1,613,914 alleles (0.00081%); highest among the groups gnomAD compares: Non-Finnish European, 0.0011%; no homozygotes.

Submission:

Labcorp Genetics (formerly Invitae), Labcorp
Classification: Uncertain significance. Last evaluated: 2023-06-06. Review status: criteria provided, single submitter. Criteria: Invitae Variant Classification Sherloc (09022015). Collection method: clinical testing. Allele origin: germline.
Comment: This sequence change replaces lysine, which is basic and polar, with asparagine, which is neutral and polar, at codon 343 of the RELA protein (p.Lys343Asn). This variant is present in population databases (rs371744052, gnomAD 0.002%). This variant has not been reported in the literature in individuals affected with RELA-related conditions. An algorithm developed to predict the effect of missense changes on protein structure and function (PolyPhen-2) suggests that this variant is likely to be tolerated. In summary, the available evidence is currently insufficient to determine the role of this variant in disease. Therefore, it has been classified as a Variant of Uncertain Significance.